The following is an entry in ClinVar:

NM_007272.3(CTRC):c.493+3_493+6del

Gene: CTRC (chymotrypsin C; plus strand). Cytogenetic location: 1p36.21.
Variant type: Microsatellite.
Coding change: c.493+3_493+6del on transcript NM_007272.3 (MANE Select); bases 3 to 6 of the intron after coding-DNA position 493, 4 bases deleted (GAGT; older notation c.493+3_493+6delGAGT).
Molecular consequence: splice donor variant.
Genome position (GRCh38, 1-based): chr1:15,443,558-15,443,561, GAGT deleted; deleting any 4 consecutive bases within chr1:15,443,554-15,443,561 gives the same sequence; the c. name uses the placement nearest the transcript's 3' end. VCF-style (leftmost placement, unchanged base first): chr1-15443553-GGAGT-G. GRCh37 (hg19) VCF-style: chr1-15770048-GGAGT-G.
Identifiers: ClinVar variation 2561884 (VCV002561884.2), dbSNP rs2526297521, ClinGen allele CA2580611132.

ClinVar aggregate classification (germline): Uncertain significance (1 of 4 stars; one submission).

Conditions:
Hereditary pancreatitis (PCTT). Also called: Hereditary chronic pancreatitis; PRSS1-Related Hereditary Pancreatitis. Identifiers: Orphanet 676, MedGen C0238339, MONDO:0008185, OMIM 167800.

Submission:

Ambry Genetics
Classification: Uncertain significance for Hereditary pancreatitis. Last evaluated: 2023-04-24. Review status: criteria provided, single submitter. Criteria: Ambry Variant Classification Scheme 2023. Collection method: clinical testing. Allele origin: germline.
Comment: The c.493+3_493+6delGAGT intronic variant, located in intron 5 of the CTRC gene, results from a deletion of 4 nucleotides within intron 5 of the CTRC gene. The deleted nucleotide positions are generally well conserved in available vertebrate species. In silico splice site analysis predicts that this alteration will weaken the native splice donor site. Since supporting evidence is limited at this time, the clinical significance of this alteration remains unclear.